The following is an entry in ClinVar:

ClinVar aggregate classification (germline): Uncertain significance (1 of 4 stars; one submission).

Conditions:
Cardiovascular phenotype. Identifiers: MedGen CN230736.

gnomAD v4.1: 1 of 1,614,238 alleles (0.000062%); highest among the groups gnomAD compares: Non-Finnish European, 0.000085%; no homozygotes.

Submission:

Ambry Genetics
Classification: Uncertain significance for Cardiovascular phenotype. Last evaluated: 2025-06-13. Review status: criteria provided, single submitter. Criteria: Ambry Variant Classification Scheme 2023. Collection method: clinical testing. Allele origin: germline.
Comment: The p.Q3023R variant (also known as c.9068A>G), located in coding exon 10 of the ALMS1 gene, results from an A to G substitution at nucleotide position 9068. The glutamine at codon 3023 is replaced by arginine, an amino acid with highly similar properties. This amino acid position is not well conserved in available vertebrate species. In addition, this alteration is predicted to be tolerated by in silico analysis. Based on the available evidence, the clinical significance of this variant remains unclear.

NM_001378454.1(ALMS1):c.9065A>G (p.Gln3022Arg)

Gene: ALMS1 (ALMS1 centrosome and basal body associated protein; plus strand). Cytogenetic location: 2p13.1.
Variant type: single nucleotide variant.
Coding change: c.9065A>G on transcript NM_001378454.1 (MANE Select); coding-DNA position 9065, A replaced by G.
Protein change: p.Gln3022Arg; replaces glutamine 3022 with arginine.
Molecular consequence: missense variant.
Genome position (GRCh38, 1-based): chr2:73,491,024, A>G. VCF-style: chr2-73491024-A-G. GRCh37 (hg19) VCF-style: chr2-73718151-A-G.
Other names: c.9068A>G, p.Gln3023Arg (NM_015120.4); short protein forms Q3023R, Q3022R.
Identifiers: ClinVar variation 4042297 (VCV004042297.1).